The following is an entry in ClinVar:

NM_031418.4(ANO3):c.1290-6C>T

Gene: ANO3 (anoctamin 3; plus strand). Cytogenetic location: 11p14.2.
Variant type: single nucleotide variant.
Coding change: c.1290-6C>T on transcript NM_031418.4 (MANE Select); 6 bases into the intron before coding-DNA position 1290, C replaced by T.
Molecular consequence: intron variant.
Genome position (GRCh38, 1-based): chr11:26,553,243, C>T. VCF-style: chr11-26553243-C-T. GRCh37 (hg19) VCF-style: chr11-26574790-C-T.
Other names: p.?; c.1473-6C>T (NM_001313726.2); c.852-6C>T (NM_001313727.2).
Identifiers: ClinVar variation 455985 (VCV000455985.16), dbSNP rs770584529, ClinGen allele CA5925897.

ClinVar aggregate classification (germline): Benign/Likely benign. Review status: criteria provided, multiple submitters, no conflicts (2 of 4 stars). 4 submissions from 4 submitters: Benign (1); Likely benign (3). Last evaluated 2026-01-11.

Conditions:
Dystonic disorder. Also called: Dystonia. Identifiers: MedGen C0013421, MONDO:0003441, HP:0001332.

Allele frequency attached by ClinVar (database versions not stated): gnomAD exomes 0.02039.

Submissions (4):

Labcorp Genetics (formerly Invitae), Labcorp
Classification: Likely benign for Dystonic disorder. Last evaluated: 2026-01-11. Review status: criteria provided, single submitter. Criteria: Invitae Variant Classification Sherloc (09022015). Collection method: clinical testing. Allele origin: germline.

Mayo Clinic Laboratories, Mayo Clinic
Classification: Benign. Last evaluated: 2023-05-24. Review status: criteria provided, single submitter. Criteria: ACMG Guidelines, 2015. Collection method: clinical testing. Allele origin: germline. Observed: 7 variant alleles.
Comment: BS1, BS2, BP4, BP7

GeneDx
Classification: Likely benign. Last evaluated: 2018-08-26. Review status: criteria provided, single submitter. Criteria: GeneDx Variant Classification Process June 2021. Collection method: clinical testing. Allele origin: germline. Affected: yes.

Breakthrough Genomics
Classification: Likely benign. Review status: criteria provided, single submitter. Criteria: ACMG Guidelines, 2015. Collection method: not provided. Allele origin: germline. Inheritance: Autosomal dominant inheritance. Affected: yes.